The following is an entry in ClinVar:

NM_004006.3(DMD):c.5487_5488del (p.Gly1831fs)

Gene: DMD (dystrophin; minus strand). Cytogenetic location: Xp21.1.
Variant type: Deletion.
Coding change: c.5487_5488del on transcript NM_004006.3 (MANE Select); coding-DNA positions 5487 to 5488, 2 bases deleted (AA; older notation c.5487_5488delAA).
Protein change: p.Gly1831fs; shifts the reading frame from glycine 1831.
Molecular consequence: frameshift variant.
Genome position (GRCh38, 1-based): chrX:32,346,041-32,346,042, TT deleted on the plus strand (AA on the coding strand, the reverse complement: DMD is on the minus strand); deleting any 2 consecutive bases within chrX:32,346,041-32,346,043 gives the same sequence; the c. name uses the placement nearest the transcript's 3' end. VCF-style (leftmost placement, unchanged base first): chrX-32346040-CTT-C. GRCh37 (hg19) VCF-style: chrX-32364157-CTT-C.
Other names: c.5463_5464del, p.Gly1823fs (NM_000109.4); c.5475_5476del, p.Gly1827fs (NM_004009.3); c.5118_5119del, p.Gly1708fs (NM_004010.3); c.1464_1465del, p.Gly490fs (NM_004011.4); c.1455_1456del, p.Gly487fs (NM_004012.4); c.5487_5488delAA (NM_004006.2); short protein forms G1827fs, G487fs, G490fs, G1823fs, G1708fs, G1831fs.
Identifiers: ClinVar variation 567065 (VCV000567065.11), dbSNP rs1569559106, ClinGen allele CA891843670.

ClinVar aggregate classification (germline): Pathogenic. Review status: criteria provided, multiple submitters, no conflicts (2 of 4 stars). 2 submissions from 2 submitters: Pathogenic (2). Last evaluated 2018-01-08.

Conditions:
Dilated cardiomyopathy 3B (CMD3B). Also called: CMD3B: DMD-Related Dilated Cardiomyopathy; CARDIOMYOPATHY, DILATED, X-LINKED; DMD-Associated Dilated Cardiomyopathy. Identifiers: Orphanet 154, MedGen C3668940, MONDO:0010542, OMIM 302045.
Becker muscular dystrophy (BMD). Also called: Becker Muscular Dystrophy (BMD); MUSCULAR DYSTROPHY, PSEUDOHYPERTROPHIC PROGRESSIVE, BECKER TYPE. Identifiers: Orphanet 98895, MedGen C0917713, MONDO:0010311, OMIM 300376.
Duchenne muscular dystrophy (DMD). Also called: Duchenne Muscular Dystrophy (DMD); MUSCULAR DYSTROPHY, PSEUDOHYPERTROPHIC PROGRESSIVE, DUCHENNE TYPE. Identifiers: Orphanet 98896, MedGen C0013264, MONDO:0010679, OMIM 310200.

Submissions (2):

Labcorp Genetics (formerly Invitae), Labcorp
Classification: Pathogenic for Duchenne muscular dystrophy. Last evaluated: 2018-01-08. Review status: criteria provided, single submitter. Criteria: Invitae Variant Classification Sherloc (09022015). Collection method: clinical testing. Allele origin: germline.
Comment: For these reasons, this variant has been classified as Pathogenic. Loss-of-function variants in DMD are known to be pathogenic (PMID: 16770791, 25007885). This variant has been reported in individuals affected with Duchenne muscular dystrophy (PMID: 17041906, 28859693). This variant has been reported in individuals in the Leiden Open-source Variation Database (PMID: 21520333). This variant is not present in population databases (ExAC no frequency). This sequence change creates a premature translational stop signal (p.Gly1831Argfs*10) in the DMD gene. It is expected to result in an absent or disrupted protein product.

Juno Genomics, Hangzhou Juno Genomics, Inc
Classification: Pathogenic for Becker muscular dystrophy; Dilated cardiomyopathy 3B; Duchenne muscular dystrophy. Review status: criteria provided, single submitter. Criteria: ACMG Guidelines, 2015. Collection method: clinical testing. Allele origin: germline. Affected: yes.
Comment: Absent from controls (or at extremely low frequency if recessive) in Genome Aggregation Database, Exome Sequencing Project, 1000 Genomes Project, or Exome Aggregation Consortium.;Null variant in a gene where loss of function (LOF) is a known mechanism of disease.;The prevalence of the variant in affected individuals is significantly increased compared to the prevalence in controls.

Literature cited by the submitters: PubMed 16770791 (cited by Labcorp Genetics (formerly Invitae), Labcorp); PubMed 25007885 (cited by Labcorp Genetics (formerly Invitae), Labcorp); PubMed 17041906 (cited by Labcorp Genetics (formerly Invitae), Labcorp); PubMed 28859693 (cited by Labcorp Genetics (formerly Invitae), Labcorp); PubMed 21520333 (cited by Labcorp Genetics (formerly Invitae), Labcorp).